The following is an entry in ClinVar:

NM_000268.4(NF2):c.1124T>C (p.Met375Thr)

Gene: NF2 (NF2, moesin-ezrin-radixin like (MERLIN) tumor suppressor; plus strand). Cytogenetic location: 22q12.2.
Variant type: single nucleotide variant.
Coding change: c.1124T>C on transcript NM_000268.4 (MANE Select); coding-DNA position 1124, T replaced by C.
Protein change: p.Met375Thr; replaces methionine 375 with threonine.
Molecular consequence: missense variant. On other transcripts: non-coding transcript variant (1), intron variant (1).
Genome position (GRCh38, 1-based): chr22:29,673,270, T>C. VCF-style: chr22-29673270-T-C. GRCh37 (hg19) VCF-style: chr22-30069259-T-C.
Other names: c.1124T>C, p.Met375Thr (NM_016418.5, NM_181825.3, NM_181832.3); c.998T>C, p.Met333Thr (NM_181828.3); c.1001T>C, p.Met334Thr (NM_181829.3); c.875T>C, p.Met292Thr (NM_181830.3, NM_181831.3); c.448-21482T>C (NM_181833.3); short protein forms M375T, M333T, M292T, M334T.
Identifiers: ClinVar variation 457889 (VCV000457889.12), dbSNP rs1556000763, ClinGen allele CA411147960.

ClinVar aggregate classification (germline): Uncertain significance. Review status: criteria provided, multiple submitters, no conflicts (2 of 4 stars). 3 submissions from 3 submitters: Uncertain significance (3). Last evaluated 2025-06-26.

Conditions:
Hereditary cancer-predisposing syndrome. Also called: Neoplastic Syndromes, Hereditary; Tumor predisposition; Hereditary neoplastic syndrome; Hereditary Cancer Syndrome. Identifiers: Orphanet 140162, MedGen C0027672, MeSH D009386, MONDO:0015356.
Neurofibromatosis, type 2 (SWNV). Also called: BILATERAL ACOUSTIC NEUROFIBROMATOSIS; SCHWANNOMATOSIS, VESTIBULAR; NF2-Related Schwannomatosis. Identifiers: Orphanet 637, MedGen C0027832, MONDO:0007039, OMIM 101000. Disease mechanism: loss of function.

Allele frequency attached by ClinVar (database versions not stated): gnomAD exomes below 0.00001.
gnomAD v4.1: 2 of 1,567,214 alleles (0.00013%); highest among the groups gnomAD compares: Non-Finnish European, 0.00017%; no homozygotes.

Submissions (3):

Color Diagnostics, LLC DBA Color Health
Classification: Uncertain significance for Neurofibromatosis, type 2. Last evaluated: 2025-06-26. Review status: criteria provided, single submitter. Criteria: ACMG Guidelines, 2015. Collection method: clinical testing. Allele origin: germline.
Comment: This missense variant replaces methionine with threonine at codon 375 of the NF2 protein. Computational prediction suggests that this variant may not impact protein structure and function. To our knowledge, functional studies have not been reported for this variant. This variant has not been reported in individuals affected with NF2-related disorders in the literature. This variant has not been identified in the general population by the Genome Aggregation Database (gnomAD). The available evidence is insufficient to determine the role of this variant in disease conclusively. Therefore, this variant is classified as a Variant of Uncertain Significance.

Ambry Genetics
Classification: Uncertain significance for Hereditary cancer-predisposing syndrome. Last evaluated: 2024-10-12. Review status: criteria provided, single submitter. Criteria: Ambry Variant Classification Scheme 2023. Collection method: clinical testing. Allele origin: germline.
Comment: The p.M375T variant (also known as c.1124T>C), located in coding exon 12 of the NF2 gene, results from a T to C substitution at nucleotide position 1124. The methionine at codon 375 is replaced by threonine, an amino acid with similar properties. This amino acid position is conserved. In addition, the in silico prediction for this alteration is inconclusive. Based on the available evidence, the clinical significance of this variant remains unclear.

Labcorp Genetics (formerly Invitae), Labcorp
Classification: Uncertain significance for Neurofibromatosis, type 2. Last evaluated: 2018-10-20. Review status: criteria provided, single submitter. Criteria: Invitae Variant Classification Sherloc (09022015). Collection method: clinical testing. Allele origin: germline.
Comment: In summary, the available evidence is currently insufficient to determine the role of this variant in disease. Therefore, it has been classified as a Variant of Uncertain Significance. Algorithms developed to predict the effect of missense changes on protein structure and function (SIFT, PolyPhen-2, Align-GVGD) all suggest that this variant is likely to be tolerated, but these predictions have not been confirmed by published functional studies and their clinical significance is uncertain. This variant has not been reported in the literature in individuals with NF2-related disease. ClinVar contains an entry for this variant (Variation ID: 457889). This variant is not present in population databases (ExAC no frequency). This sequence change replaces methionine with threonine at codon 375 of the NF2 protein (p.Met375Thr). The methionine residue is moderately conserved and there is a moderate physicochemical difference between methionine and threonine.